The following is an entry in ClinVar:

ClinVar aggregate classification (germline): Likely benign (1 of 4 stars; one submission).

gnomAD v4.1: 7 of 1,614,052 alleles (0.00043%); highest among the groups gnomAD compares: Non-Finnish European, 0.00059%; no homozygotes.

Submission:

CeGaT Center for Human Genetics Tuebingen
Classification: Likely benign. Last evaluated: 2025-12-01. Review status: criteria provided, single submitter. Criteria: CeGaT Center For Human Genetics Tuebingen Variant Classification Criteria Version 2. Collection method: clinical testing. Allele origin: germline. Affected: yes. Observed: 1 variant allele.
Comment: TRAPPC10: BP4, BP7

NM_003274.5(TRAPPC10):c.2709C>T (p.Pro903=)

Gene: TRAPPC10 (trafficking protein particle complex subunit 10; plus strand). Cytogenetic location: 21q22.3.
Variant type: single nucleotide variant.
Coding change: c.2709C>T on transcript NM_003274.5 (MANE Select); coding-DNA position 2709, C replaced by T.
Protein change: p.Pro903=; no amino-acid change (proline 903 retained).
Molecular consequence: synonymous variant.
Genome position (GRCh38, 1-based): chr21:44,087,868, C>T. VCF-style: chr21-44087868-C-T. GRCh37 (hg19) VCF-style: chr21-45507749-C-T.
Other names: c.1308C>T, p.Pro436= (NM_001351709.1).
Identifiers: ClinVar variation 4681780 (VCV004681780.5).